The following is an entry in ClinVar:

NM_002386.4(MC1R):c.313G>A (p.Ala105Thr)

Gene: MC1R (melanocortin 1 receptor; plus strand). Cytogenetic location: 16q24.3.
Variant type: single nucleotide variant.
Coding change: c.313G>A on transcript NM_002386.4 (MANE Select); coding-DNA position 313, G replaced by A.
Protein change: p.Ala105Thr; replaces alanine 105 with threonine.
Molecular consequence: missense variant.
Genome position (GRCh38, 1-based): chr16:89,919,571, G>A. VCF-style: chr16-89919571-G-A. GRCh37 (hg19) VCF-style: chr16-89985979-G-A.
Other names: short protein forms A105T.
Identifiers: ClinVar variation 1053052 (VCV001053052.10), dbSNP rs1376244060, ClinGen allele CA397460285.
Genomic context (GRCh38, chr16:89,919,571, plus strand): 5'-CTGCTGGTGAGCGGGAGCAACGTGCTGGAGACGGCCGTCATCCTCCTGCTGGAGGCCGGT[G>A]CACTGGTGGCCCGGGCTGCGGTGCTGCAGCAGCTGGACAATGTCATTGACGTGATCACCT-3'
Protein context (NP_002377.4, residues 95-115): TAVILLLEAG[Ala105Thr]LVARAAVLQQ

ClinVar aggregate classification (germline): Uncertain significance. Review status: criteria provided, multiple submitters, no conflicts (2 of 4 stars). 2 submissions from 2 submitters: Uncertain significance (2). Last evaluated 2022-05-13.

Conditions:
Melanoma, cutaneous malignant, susceptibility to, 5. Also called: Cutaneous malignant melanoma 5. Identifiers: Orphanet 618, MedGen C2751295, MONDO:0013133, OMIM 613099.
Tyrosinase-positive oculocutaneous albinism (OCA2). Also called: ALBINISM II; Oculocutaneous albinism type 2; Albinism, oculocutaneous, type II. Identifiers: Orphanet 79432, MedGen C0268495, MONDO:0008746, OMIM 203200.
Increased analgesia from kappa-opioid receptor agonist, female-specific. Identifiers: MedGen C2751296, OMIM 613098.
SKIN/HAIR/EYE PIGMENTATION, VARIATION IN, 2 (SHEP2). Also called: BLOND HAIR/FAIR SKIN; HAIR COLOR 2; RED HAIR COLOR. Identifiers: MedGen C1849452, OMIM 266300.

Allele frequency attached by ClinVar (database versions not stated): gnomAD exomes below 0.00001; gnomAD 0.00001.
gnomAD v4.1: 3 of 1,611,352 alleles (0.00019%); highest among the groups gnomAD compares: Non-Finnish European, 0.00025%; no homozygotes.

Submissions (2):

Fulgent Genetics
Classification: Uncertain significance for Tyrosinase-positive oculocutaneous albinism; SKIN/HAIR/EYE PIGMENTATION, VARIATION IN, 2; Increased analgesia from kappa-opioid receptor agonist, female-specific; Melanoma, cutaneous malignant, susceptibility to, 5. Last evaluated: 2022-05-13. Review status: criteria provided, single submitter. Criteria: ACMG Guidelines, 2015. Collection method: clinical testing. Allele origin: unknown.

Labcorp Genetics (formerly Invitae), Labcorp
Classification: Uncertain significance for Melanoma, cutaneous malignant, susceptibility to, 5. Last evaluated: 2020-08-23. Review status: criteria provided, single submitter. Criteria: Invitae Variant Classification Sherloc (09022015). Collection method: clinical testing. Allele origin: germline.
Comment: This sequence change replaces alanine with threonine at codon 105 of the MC1R protein (p.Ala105Thr). The alanine residue is weakly conserved and there is a small physicochemical difference between alanine and threonine. This variant is not present in population databases (ExAC no frequency). This variant has not been reported in the literature in individuals with MC1R-related conditions. Algorithms developed to predict the effect of missense changes on protein structure and function (SIFT, PolyPhen-2, Align-GVGD) all suggest that this variant is likely to be tolerated, but these predictions have not been confirmed by published functional studies and their clinical significance is uncertain. In summary, the available evidence is currently insufficient to determine the role of this variant in disease. Therefore, it has been classified as a Variant of Uncertain Significance.